The following is an entry in ClinVar:

NM_022042.4(SLC26A1):c.1613G>A (p.Arg538Gln)

Genes: IDUA (alpha-L-iduronidase; plus strand), SLC26A1 (solute carrier family 26 member 1; minus strand). Cytogenetic location: 4p16.3.
Variant type: single nucleotide variant.
Coding change: c.1613G>A on transcript NM_022042.4 (MANE Select); coding-DNA position 1613, G replaced by A.
Protein change: p.Arg538Gln; replaces arginine 538 with glutamine.
Molecular consequence: missense variant. On other transcripts: intron variant (2).
Genome position (GRCh38, 1-based): chr4:989,326, C>T on the plus strand (G>A on the coding strand, the complement: SLC26A1 is on the minus strand). VCF-style: chr4-989326-C-T. GRCh37 (hg19) VCF-style: chr4-983114-C-T.
Other names: c.1613G>A, p.Arg538Gln (NM_213613.4); c.576+1802G>A (NM_134425.4); c.299+1377C>T (NM_000203.5); short protein forms R538Q.
Identifiers: ClinVar variation 2958323 (VCV002958323.3), dbSNP rs777523898, ClinGen allele CA2801332.

ClinVar aggregate classification (germline): Uncertain significance (1 of 4 stars; one submission).

Allele frequency attached by ClinVar (database versions not stated): gnomAD 0.00002; TOPMed 0.00002; ExAC 0.00004.
gnomAD v4.1: 15 of 1,608,680 alleles (0.00093%); highest among the groups gnomAD compares: East Asian, 0.0067%; no homozygotes.

Submission:

Labcorp Genetics (formerly Invitae), Labcorp
Classification: Uncertain significance. Last evaluated: 2023-09-08. Review status: criteria provided, single submitter. Criteria: Invitae Variant Classification Sherloc (09022015). Collection method: clinical testing. Allele origin: germline.
Comment: In summary, the available evidence is currently insufficient to determine the role of this variant in disease. Therefore, it has been classified as a Variant of Uncertain Significance. Advanced modeling of protein sequence and biophysical properties (such as structural, functional, and spatial information, amino acid conservation, physicochemical variation, residue mobility, and thermodynamic stability) performed at Invitae indicates that this missense variant is not expected to disrupt SLC26A1 protein function. This variant has not been reported in the literature in individuals affected with SLC26A1-related conditions. This variant is present in population databases (rs777523898, gnomAD 0.02%). This sequence change replaces arginine, which is basic and polar, with glutamine, which is neutral and polar, at codon 538 of the SLC26A1 protein (p.Arg538Gln).